The following is an entry in ClinVar:

ClinVar aggregate classification (germline): Uncertain significance (1 of 4 stars; one submission).

Submission:

CeGaT Center for Human Genetics Tuebingen
Classification: Uncertain significance. Last evaluated: 2025-10-01. Review status: criteria provided, single submitter. Criteria: CeGaT Center For Human Genetics Tuebingen Variant Classification Criteria Version 2. Collection method: clinical testing. Allele origin: germline. Affected: yes. Observed: 1 variant allele.
Comment: RFX7: PM2

NM_022841.7(RFX7):c.954G>C (p.Gln318His)

Gene: RFX7 (regulatory factor X7; minus strand). Cytogenetic location: 15q21.3.
Variant type: single nucleotide variant.
Coding change: c.954G>C on transcript NM_022841.7 (MANE Select); coding-DNA position 954, G replaced by C.
Protein change: p.Gln318His; replaces glutamine 318 with histidine.
Molecular consequence: missense variant.
Genome position (GRCh38, 1-based): chr15:56,098,234, C>G on the plus strand (G>C on the coding strand, the complement: RFX7 is on the minus strand). VCF-style: chr15-56098234-C-G. GRCh37 (hg19) VCF-style: chr15-56390432-C-G.
Other names: c.663G>C, p.Gln221His (NM_001368073.2, NM_001368074.1, NM_001370554.1); c.954G>C, p.Gln318His (NM_001370561.1); short protein forms Q221H, Q318H.
Identifiers: ClinVar variation 4535075 (VCV004535075.6).